The following is an entry in ClinVar:

ClinVar aggregate classification (germline): Pathogenic (1 of 4 stars; one submission).

Conditions:
Autosomal recessive nonsyndromic hearing loss 3. Also called: NEUROSENSORY NONSYNDROMIC RECESSIVE DEAFNESS 3. Identifiers: Orphanet 90636, MedGen C1838263, MONDO:0010860, OMIM 600316.

Submission:

Genetics Laboratory, Department of Biology, Semnan University
Classification: Pathogenic for Autosomal recessive nonsyndromic hearing loss 3. Last evaluated: 2017-01-21. Review status: criteria provided, single submitter. Criteria: ACMG Guidelines, 2015. Collection method: case-control. Allele origin: inherited. Inheritance: Autosomal recessive inheritance. Affected: yes. Observed: 1 homozygote.
Comment: The identified mutation leads to the substitution of Tryptophan 1158 with a stop codon (W1158X) in the Myo15A protein. Hence, this substitution alters the amino acid sequence and leads to a premature stop codon at position 3474 with the complete loss of 2372 out of 3530 amino acids in the wild type protein sequence leading to truncated protein.

Literature cited by the submitters: DOI 10.1038/gim.2015.30.

NM_016239.4(MYO15A):c.3474G>A (p.Trp1158Ter)

Gene: MYO15A (myosin XVA; plus strand). Cytogenetic location: 17p11.2.
Variant type: single nucleotide variant.
Coding change: c.3474G>A on transcript NM_016239.4 (MANE Select); coding-DNA position 3474, G replaced by A.
Protein change: p.Trp1158Ter; replaces tryptophan 1158 with a stop codon.
Molecular consequence: nonsense.
Genome position (GRCh38, 1-based): chr17:18,122,274, G>A. VCF-style: chr17-18122274-G-A. GRCh37 (hg19) VCF-style: chr17-18025588-G-A.
Other names: short protein forms W1158*.
Identifiers: ClinVar variation 1704290 (VCV001704290.3), dbSNP rs2545193797, ClinGen allele CA398587852.
Genomic context (GRCh38, chr17:18,122,274, plus strand): 5'-AGTCCAGCCCATTCAGGACCCCAAGCCAAGAGCCTGTAGTCTTCGCTGGTCCTGCCTCTG[G>A]CTTCGGGCAGATGCCTATGGACCCTGGCCACGAGTACACACCCATCCCCAGTCCTGCCAC-3'